The following is an entry in ClinVar:

ClinVar aggregate classification (germline): Likely benign. Review status: criteria provided, single submitter (1 of 4 stars). 2 submissions from 2 submitters: Likely benign (1). 1 of the submissions does not count toward it. Last evaluated 2024-03-01.

Conditions:
ZFHX2-related disorder. Also called: ZFHX2-related condition.

Allele frequency attached by ClinVar (database versions not stated): ExAC 0.00008; 1000 Genomes Project 30x 0.00078; 1000 Genomes Project 0.00080; gnomAD 0.00102; TOPMed 0.00137.
gnomAD v4.1: 960 of 1,536,208 alleles (0.062%); highest among the groups gnomAD compares: African/African-American, 0.22%; 1 homozygote.

Submissions (2):

Blueprint Genetics
Classification: Likely benign. Last evaluated: 2024-03-01. Review status: criteria provided, single submitter. Criteria: ACMG Guidelines, 2015. Collection method: clinical testing. Allele origin: germline.

PreventionGenetics, part of Exact Sciences
Classification: Likely benign for ZFHX2-related condition. Last evaluated: 2019-11-21. Review status: no assertion criteria provided. Collection method: clinical testing. Allele origin: germline. Not counted in ClinVar's aggregate classification.
Comment: This variant is classified as likely benign based on ACMG/AMP sequence variant interpretation guidelines (Richards et al. 2015 PMID: 25741868, with internal and published modifications).

NM_033400.3(ZFHX2):c.2133C>T (p.Asp711=)

Genes: THTPA (thiamine triphosphatase; plus strand), ZFHX2 (zinc finger homeobox 2; minus strand). Cytogenetic location: 14q11.2.
Variant type: single nucleotide variant.
Coding change: c.2133C>T on transcript NM_033400.3 (MANE Select); coding-DNA position 2133, C replaced by T.
Protein change: p.Asp711=; no amino-acid change (aspartic acid 711 retained).
Molecular consequence: synonymous variant.
Genome position (GRCh38, 1-based): chr14:23,532,993, G>A on the plus strand (C>T on the coding strand, the complement: ZFHX2 is on the minus strand). VCF-style: chr14-23532993-G-A. GRCh37 (hg19) VCF-style: chr14-24002202-G-A.
Identifiers: ClinVar variation 3048592 (VCV003048592.3), dbSNP rs191819708, ClinGen allele CA7117082.
Genomic context (GRCh38, chr14:23,532,993, plus strand): 5'-GCTGTCTGTGCTGAAGGCCTGGCACACTAGGCAGCGGAACACCTTCAGGGACAGGCTGTC[G>A]TCTGGGGGTGGTGAGGTGGGCAGGCTGTCAGATGAGGAACCCAGGAGCTGACTTGGAGGC-3'
Protein context (NP_207646.2, residues 701-721): SDSLPTSPPP[Asp711=]DSLSLKVFRC